The following is an entry in ClinVar:

ClinVar aggregate classification (germline): Benign. Review status: criteria provided, multiple submitters, no conflicts (2 of 4 stars). 2 submissions from 2 submitters: Benign (2). Last evaluated 2018-06-16.

Allele frequency attached by ClinVar (database versions not stated): gnomAD 0.03470 and 0.03474; TOPMed 0.03701; 1000 Genomes Project 0.05072; 1000 Genomes Project 30x 0.05231.
gnomAD v4.1: 16,864 of 1,564,850 alleles (1.1%); highest among the groups gnomAD compares: African/African-American, 11%; 729 homozygotes.

Submissions (2):

GeneDx
Classification: Benign. Last evaluated: 2018-06-16. Review status: criteria provided, single submitter. Criteria: GeneDx Variant Classification (06012015). Collection method: clinical testing. Allele origin: germline. Affected: yes.
Comment: This variant is considered likely benign or benign based on one or more of the following criteria: it is a conservative change, it occurs at a poorly conserved position in the protein, it is predicted to be benign by multiple in silico algorithms, and/or has population frequency not consistent with disease.

Breakthrough Genomics
Classification: Benign. Review status: criteria provided, single submitter. Criteria: ACMG Guidelines, 2015. Collection method: not provided. Allele origin: germline. Inheritance: Autosomal dominant inheritance. Affected: yes.

NM_000069.3(CACNA1S):c.152+56G>A

Gene: CACNA1S (calcium voltage-gated channel subunit alpha1 S; minus strand). Cytogenetic location: 1q32.1.
Variant type: single nucleotide variant.
Coding change: c.152+56G>A on transcript NM_000069.3 (MANE Select); 56 bases into the intron after coding-DNA position 152, G replaced by A.
Molecular consequence: intron variant.
Genome position (GRCh38, 1-based): chr1:201,112,132, C>T on the plus strand (G>A on the coding strand, the complement: CACNA1S is on the minus strand). VCF-style: chr1-201112132-C-T. GRCh37 (hg19) VCF-style: chr1-201081260-C-T.
Identifiers: ClinVar variation 677322 (VCV000677322.2), dbSNP rs73081023, ClinGen allele CA36018029.
Genomic context (GRCh38, chr1:201,112,132, plus strand): 5'-ATGTCTAAGTGCCAGGCCTCCCTGGCCCTCCTGTAGGAAGTTTGTGCTCTGTGATCACCC[C>T]GAATCCCTCCCTCATGACGCACACCCCCCCCCACGGCCCGGGCCCTGAAGGATACTTCCA-3'